The following is an entry in ClinVar:

NM_198253.3(TERT):c.969G>A (p.Pro323=)

Gene: TERT (telomerase reverse transcriptase; minus strand). Cytogenetic location: 5p15.33.
Variant type: single nucleotide variant.
Coding change: c.969G>A on transcript NM_198253.3 (MANE Select); coding-DNA position 969, G replaced by A.
Protein change: p.Pro323=; no amino-acid change (proline 323 retained).
Molecular consequence: synonymous variant. On other transcripts: non-coding transcript variant (2).
Genome position (GRCh38, 1-based): chr5:1,293,917, C>T on the plus strand (G>A on the coding strand, the complement: TERT is on the minus strand). VCF-style: chr5-1293917-C-T. GRCh37 (hg19) VCF-style: chr5-1294032-C-T.
Other names: c.969G>A, p.Pro323= (NM_001193376.3).
Identifiers: ClinVar variation 165380 (VCV000165380.50), dbSNP rs148549782, ClinGen allele CA178137.

ClinVar aggregate classification (germline): Benign/Likely benign. Review status: criteria provided, multiple submitters, no conflicts (2 of 4 stars). 11 submissions from 10 submitters: Benign (7); Likely benign (4). Last evaluated 2026-07-01.

Conditions:
Idiopathic Pulmonary Fibrosis. Also called: Idiopathic fibrosing alveolitis, chronic form; idiopathic fibrosing alveolitis. Identifiers: Orphanet 2032, MedGen C1800706, MeSH D054990, MONDO:0800504.
Dyskeratosis congenita, autosomal dominant 2. Identifiers: MedGen C3151443, MONDO:0013521, OMIM 613989.
Melanoma, cutaneous malignant, susceptibility to, 9. Also called: Cutaneous malignant melanoma 9. Identifiers: Orphanet 618, MedGen C3554574, MONDO:0014056, OMIM 615134.
Acute myeloid leukemia (AML). Also called: Acute myeloid leukemia, adult; AML adult; Acute non-lymphocytic leukemia; Acute granulocytic leukemia; Leukemia, acute myeloid, somatic; Leukemia, acute myelogenous, somatic. Identifiers: Orphanet 519, MedGen C0023467, MeSH D015470, MONDO:0018874, OMIM 601626, HP:0004808. Disease mechanism: Constitutively activated FLT3.
Dyskeratosis congenita. Identifiers: Orphanet 1775, MedGen C0265965, MONDO:0015780.

Allele frequency attached by ClinVar (database versions not stated): gnomAD exomes 0.00042; ExAC 0.00075; ESP Exome Variant Server 0.00200; TOPMed 0.00205; gnomAD 0.00206 and 0.00224; 1000 Genomes Project 30x 0.00265; 1000 Genomes Project 0.00280.
gnomAD v4.1: 577 of 1,542,350 alleles (0.037%); highest among the groups gnomAD compares: African/African-American, 0.68%; 1 homozygote.

Submissions (11):

CeGaT Center for Human Genetics Tuebingen
Classification: Likely benign. Last evaluated: 2026-07-01. Review status: criteria provided, single submitter. Criteria: CeGaT Center For Human Genetics Tuebingen Variant Classification Criteria Version 2. Collection method: clinical testing. Allele origin: germline. Affected: yes. Observed: 5 variant alleles.
Comment: TERT: BP4, BP7

Labcorp Genetics (formerly Invitae), Labcorp
Classification: Benign for Dyskeratosis congenita, autosomal dominant 2; Idiopathic Pulmonary Fibrosis. Last evaluated: 2026-01-24. Review status: criteria provided, single submitter. Criteria: Invitae Variant Classification Sherloc (09022015). Collection method: clinical testing. Allele origin: germline.

ARUP Laboratories, Molecular Genetics and Genomics, ARUP Laboratories
Classification: Benign. Last evaluated: 2025-05-19. Review status: criteria provided, single submitter. Criteria: ARUP Molecular Germline Variant Investigation Process 2024. Collection method: clinical testing. Allele origin: germline.

KCCC/NGS Laboratory, Kuwait Cancer Control Center
Classification: Benign for Melanoma, cutaneous malignant, susceptibility to, 9. Last evaluated: 2025-02-01. Review status: criteria provided, single submitter. Criteria: ACMG Guidelines, 2015. Collection method: clinical testing. Allele origin: germline. Affected: no.

Blueprint Genetics
Classification: Likely benign. Last evaluated: 2024-09-13. Review status: criteria provided, single submitter. Criteria: ACMG Guidelines, 2015. Collection method: clinical testing. Allele origin: germline.

KCCC/NGS Laboratory, Kuwait Cancer Control Center
Classification: Benign for Acute myeloid leukemia. Last evaluated: 2023-07-07. Review status: criteria provided, single submitter. Criteria: ACMG Guidelines, 2015. Collection method: clinical testing. Allele origin: germline. Affected: yes.

Ambry Genetics
Classification: Likely benign for Dyskeratosis congenita. Last evaluated: 2022-05-19. Review status: criteria provided, single submitter. Criteria: Ambry Variant Classification Scheme 2023. Collection method: clinical testing. Allele origin: germline.

Sema4
Classification: Likely benign for Dyskeratosis congenita. Last evaluated: 2021-06-24. Review status: criteria provided, single submitter. Criteria: Sema4 Curation Guidelines. Collection method: curation. Allele origin: germline.

Genetic Services Laboratory, University of Chicago
Classification: Benign. Last evaluated: 2021-03-05. Review status: criteria provided, single submitter. Criteria: ACMG Guidelines, 2015. Collection method: clinical testing. Allele origin: germline. Affected: no.

Laboratory for Molecular Medicine, Mass General Brigham Personalized Medicine
Classification: Benign. Last evaluated: 2013-02-21. Review status: criteria provided, single submitter. Criteria: LMM Criteria. Collection method: clinical testing. Allele origin: germline. Observed: 1 variant allele.
Comment: Pro323Pro in exon 2 of TERT: This variant is not expected to have clinical signi ficance because it does not alter an amino acid residue and is not located withi n the splice consensus sequence. It has been identified in 0.5% (21/4194) of Afr ican American chromosomes from a broad population by the NHLBI Exome Sequencing Project (dbSNP rs148549782).

Breakthrough Genomics
Classification: Benign. Review status: criteria provided, single submitter. Criteria: ACMG Guidelines, 2015. Collection method: not provided. Allele origin: germline. Inheritance: Autosomal dominant inheritance. Affected: yes.

Literature cited by the submitters: PubMed 15814878 (cited by Sema4); PubMed 28873162 (cited by Sema4).